The following is an entry in ClinVar:

NM_006393.3(NEBL):c.685-260G>C

Gene: NEBL (nebulette; minus strand). Cytogenetic location: 10p12.31.
Variant type: single nucleotide variant.
Coding change: c.685-260G>C on transcript NM_006393.3 (MANE Select); 260 bases into the intron before coding-DNA position 685, G replaced by C.
Molecular consequence: intron variant.
Genome position (GRCh38, 1-based): chr10:20,860,086, C>G on the plus strand (G>C on the coding strand, the complement: NEBL is on the minus strand). VCF-style: chr10-20860086-C-G. GRCh37 (hg19) VCF-style: chr10-21149015-C-G.
Other names: c.250-47146G>C (NM_001377326.1, NM_001377327.1, NM_001377328.1); c.358-47146G>C (NM_213569.2, NM_001173484.2, NM_001377322.1); c.301-47146G>C (NM_001377324.1); c.292-47146G>C (NM_001377325.1); c.310-47146G>C (NM_001377323.1).
Identifiers: ClinVar variation 683671 (VCV000683671.1), dbSNP rs703094, ClinGen allele CA204194746.
Genomic context (GRCh38, chr10:20,860,086, plus strand): 5'-CAAATGCAATTAGGCATGAACTCAAATCCTATTAATGAGAATTATGCACTAAAATACCAA[C>G]ATTTTTAAATGTCAGTTTTCATTTCTGCATTTCTATAATCTATGATCAGTTAGAAACCTA-3'

ClinVar aggregate classification (germline): Benign (1 of 4 stars; one submission).

Allele frequency attached by ClinVar (database versions not stated): TOPMed 0.39769; 1000 Genomes Project 30x 0.47236; 1000 Genomes Project 0.47145.
gnomAD v4.1: 58,412 of 151,874 alleles (38%); highest among the groups gnomAD compares: East Asian, 62%; 12,727 homozygotes.

Submission:

GeneDx
Classification: Benign. Last evaluated: 2018-06-18. Review status: criteria provided, single submitter. Criteria: GeneDx Variant Classification (06012015). Collection method: clinical testing. Allele origin: germline. Affected: yes.
Comment: This variant is considered likely benign or benign based on one or more of the following criteria: it is a conservative change, it occurs at a poorly conserved position in the protein, it is predicted to be benign by multiple in silico algorithms, and/or has population frequency not consistent with disease.